The following is an entry in ClinVar:

NM_032806.6(POMGNT2):c.762G>T (p.Lys254Asn)

Gene: POMGNT2 (protein O-linked mannose N-acetylglucosaminyltransferase 2 (beta 1,4-); minus strand). Cytogenetic location: 3p22.1.
Variant type: single nucleotide variant.
Coding change: c.762G>T on transcript NM_032806.6 (MANE Select); coding-DNA position 762, G replaced by T.
Protein change: p.Lys254Asn; replaces lysine 254 with asparagine.
Molecular consequence: missense variant.
Genome position (GRCh38, 1-based): chr3:43,080,670, C>A on the plus strand (G>T on the coding strand, the complement: POMGNT2 is on the minus strand). VCF-style: chr3-43080670-C-A. GRCh37 (hg19) VCF-style: chr3-43122162-C-A.
Other names: short protein forms K254N.
Identifiers: ClinVar variation 540487 (VCV000540487.4), dbSNP rs115870061, ClinGen allele CA352302560.

ClinVar aggregate classification (germline): Uncertain significance (1 of 4 stars; one submission).

Conditions:
Muscular dystrophy-dystroglycanopathy (congenital with brain and eye anomalies), type a, 8 (MDDGA8). Also called: WALKER-WARBURG SYNDROME OR MUSCLE-EYE-BRAIN DISEASE, GTDC2-RELATED. Identifiers: Orphanet 899, MedGen C3553813, MONDO:0013904, OMIM 614830.

gnomAD v4.1: 2 of 1,614,206 alleles (0.00012%); highest among the groups gnomAD compares: Non-Finnish European, 0.00017%; no homozygotes.

Submission:

Labcorp Genetics (formerly Invitae), Labcorp
Classification: Uncertain significance for Muscular dystrophy-dystroglycanopathy (congenital with brain and eye anomalies), type a, 8. Last evaluated: 2022-06-27. Review status: criteria provided, single submitter. Criteria: Invitae Variant Classification Sherloc (09022015). Collection method: clinical testing. Allele origin: germline.
Comment: In summary, the available evidence is currently insufficient to determine the role of this variant in disease. Therefore, it has been classified as a Variant of Uncertain Significance. Algorithms developed to predict the effect of missense changes on protein structure and function (SIFT, PolyPhen-2, Align-GVGD) all suggest that this variant is likely to be disruptive. ClinVar contains an entry for this variant (Variation ID: 540487). This variant has not been reported in the literature in individuals affected with POMGNT2-related conditions. This variant is not present in population databases (gnomAD no frequency). This sequence change replaces lysine, which is basic and polar, with asparagine, which is neutral and polar, at codon 254 of the POMGNT2 protein (p.Lys254Asn).